The following is an entry in ClinVar:

ClinVar aggregate classification (germline): Uncertain significance (1 of 4 stars; one submission).

Conditions:
Neuronal ceroid lipofuscinosis. Also called: Neuronal Ceroid Lipofuscinoses. Identifiers: Orphanet 216, Orphanet 79263, MedGen C0027877, MONDO:0016295. Disease mechanism: loss of function.

Allele frequency attached by ClinVar (database versions not stated): TOPMed 0.00001; gnomAD 0.00004; 1000 Genomes Project 0.00020; 1000 Genomes Project 30x 0.00031.
gnomAD v4.1: 14 of 1,614,046 alleles (0.00087%); highest among the groups gnomAD compares: African/African-American, 0.011%; no homozygotes.

Submission:

Labcorp Genetics (formerly Invitae), Labcorp
Classification: Uncertain significance for Neuronal ceroid lipofuscinosis. Last evaluated: 2022-05-27. Review status: criteria provided, single submitter. Criteria: Invitae Variant Classification Sherloc (09022015). Collection method: clinical testing. Allele origin: germline.
Comment: This sequence change replaces proline, which is neutral and non-polar, with leucine, which is neutral and non-polar, at codon 21 of the CLN3 protein (p.Pro21Leu). This variant is present in population databases (rs562525993, gnomAD 0.01%). This variant has not been reported in the literature in individuals affected with CLN3-related conditions. ClinVar contains an entry for this variant (Variation ID: 954934). Algorithms developed to predict the effect of missense changes on protein structure and function output the following: SIFT: "Tolerated"; PolyPhen-2: "Benign"; Align-GVGD: "Class C0". The leucine amino acid residue is found in multiple mammalian species, which suggests that this missense change does not adversely affect protein function. In summary, the available evidence is currently insufficient to determine the role of this variant in disease. Therefore, it has been classified as a Variant of Uncertain Significance.

NM_001042432.2(CLN3):c.62C>T (p.Pro21Leu)

Gene: CLN3 (CLN3 lysosomal/endosomal transmembrane protein, battenin; minus strand). Cytogenetic location: 16p12.1.
Variant type: single nucleotide variant.
Coding change: c.62C>T on transcript NM_001042432.2 (MANE Select); coding-DNA position 62, C replaced by T.
Protein change: p.Pro21Leu; replaces proline 21 with leucine.
Molecular consequence: missense variant. On other transcripts: intron variant (3).
Genome position (GRCh38, 1-based): chr16:28,491,545, G>A on the plus strand (C>T on the coding strand, the complement: CLN3 is on the minus strand). VCF-style: chr16-28491545-G-A. GRCh37 (hg19) VCF-style: chr16-28502866-G-A.
Other names: c.62C>T, p.Pro21Leu (NM_000086.2, NM_001286104.2); c.-38+169C>T (NM_001286109.2, NM_001286110.2); c.-96+169C>T (NM_001286105.2); short protein forms P21L.
Identifiers: ClinVar variation 954934 (VCV000954934.3), dbSNP rs562525993, ClinGen allele CA7981085.
Genomic context (GRCh38, chr16:28,491,545, plus strand): 5'-AAGCCCACCGCGTTCTTCCAATGCGCGCCCTGATGGTCCAACAGAGGGAGCCGGGGCTCC[G>A]GGACGGTCTCCTCCCCTGGGAGAGCGAGAAGAGGGCATGACCCCCACCTACTCTCAGGTG-3'
Protein context (NP_001035897.1, residues 11-31): FSDSEGEETV[Pro21Leu]EPRLPLLDHQ